The following is an entry in ClinVar:

NM_004415.4(DSP):c.1191C>T (p.Asp397=)

Gene: DSP (desmoplakin; plus strand). Cytogenetic location: 6p24.3.
Variant type: single nucleotide variant.
Coding change: c.1191C>T on transcript NM_004415.4 (MANE Select); coding-DNA position 1191, C replaced by T.
Protein change: p.Asp397=; no amino-acid change (aspartic acid 397 retained).
Molecular consequence: synonymous variant.
Genome position (GRCh38, 1-based): chr6:7,567,831, C>T. VCF-style: chr6-7567831-C-T. GRCh37 (hg19) VCF-style: chr6-7568064-C-T.
Other names: c.1191C>T (LRG_423t1, NM_004415.3); c.1191C>T, p.Asp397= (NM_001008844.3, NM_001319034.2).
Identifiers: ClinVar variation 465879 (VCV000465879.18), dbSNP rs1046392713, ClinGen allele CA133955789.

ClinVar aggregate classification (germline): Likely benign. Review status: criteria provided, multiple submitters, no conflicts (2 of 4 stars). 5 submissions from 5 submitters: Likely benign (5). Last evaluated 2025-11-03.

Conditions:
DSP-related disorder. Also called: DSP-related disorders; DSP-related condition.
Cardiovascular phenotype. Identifiers: MedGen CN230736.
Arrhythmogenic right ventricular dysplasia 8 (ARVD8). Also called: Arrhythmogenic Right Ventricular Dysplasia/Cardiomyopathy 8; ARRHYTHMOGENIC RIGHT VENTRICULAR DYSPLASIA, FAMILIAL, 8; ARRHYTHMOGENIC RIGHT VENTRICULAR CARDIOMYOPATHY 8. Identifiers: MedGen C1843896, MONDO:0011831, OMIM 607450.
Arrhythmogenic cardiomyopathy with wooly hair and keratoderma. Also called: Arrhythmogenic cardiomyopathy with woolly hair and keratoderma; PALMOPLANTAR KERATODERMA WITH LEFT VENTRICULAR CARDIOMYOPATHY AND WOOLLY HAIR; Carvajal syndrome; Dilated cardiomyopathy with woolly hair and keratoderma. Identifiers: Orphanet 65282, MedGen C1854063, MONDO:0011581, OMIM 605676.
Cardiomyopathy (CMYO). Also called: Cardiomyopathies. Identifiers: Orphanet 167848, MedGen C0878544, MONDO:0004994, HP:0001638. Inheritance: Various modes of inheritance.

Allele frequency attached by ClinVar (database versions not stated): gnomAD exomes below 0.00001; gnomAD 0.00002.
gnomAD v4.1: 4 of 1,613,976 alleles (0.00025%); highest among the groups gnomAD compares: African/African-American, 0.0053%; no homozygotes.

Submissions (5):

PreventionGenetics, part of Exact Sciences
Classification: Likely benign for DSP-related condition. Last evaluated: 2025-11-03. Review status: criteria provided, single submitter. Criteria: ACMG Guidelines, 2015. Collection method: clinical testing. Allele origin: germline.
Comment: This variant is classified as likely benign based on ACMG/AMP sequence variant interpretation guidelines (Richards et al. 2015 PMID: 25741868, with internal and published modifications).

Labcorp Genetics (formerly Invitae), Labcorp
Classification: Likely benign for Arrhythmogenic cardiomyopathy with wooly hair and keratoderma; Arrhythmogenic right ventricular dysplasia 8. Last evaluated: 2024-06-28. Review status: criteria provided, single submitter. Criteria: Invitae Variant Classification Sherloc (09022015). Collection method: clinical testing. Allele origin: germline.

All of Us Research Program, National Institutes of Health
Classification: Likely benign for Arrhythmogenic cardiomyopathy with wooly hair and keratoderma. Last evaluated: 2023-10-06. Review status: criteria provided, single submitter. Criteria: ACMG Guidelines, 2015. Collection method: clinical testing. Allele origin: germline. Inheritance: Autosomal dominant inheritance. Observed: 1 variant allele, 1 heterozygote.
Comment: This study involves interpretation of variants in research participants for the purpose of population health screening. Participant phenotype was not available at the time of variant classification. Additional details can be found in publication PMID: 35346344, PMCID: PMC8962531

Color Diagnostics, LLC DBA Color Health
Classification: Likely benign for Cardiomyopathy. Last evaluated: 2021-07-14. Review status: criteria provided, single submitter. Criteria: ACMG Guidelines, 2015. Collection method: clinical testing. Allele origin: germline.

Ambry Genetics
Classification: Likely benign for Cardiovascular phenotype. Last evaluated: 2019-07-10. Review status: criteria provided, single submitter. Criteria: Ambry Variant Classification Scheme 2023. Collection method: clinical testing. Allele origin: germline.